The following is an entry in ClinVar:

ClinVar aggregate classification (germline): Uncertain significance. Review status: criteria provided, multiple submitters, no conflicts (2 of 4 stars). 2 submissions from 2 submitters: Uncertain significance (2). Last evaluated 2023-05-16.

Conditions:
CFAP410-related disorder. Also called: CFAP410-related condition.

Allele frequency attached by ClinVar (database versions not stated): ExAC 0.00007; gnomAD 0.00007; ESP Exome Variant Server 0.00008; TOPMed 0.00008.

Submissions (2):

PreventionGenetics, part of Exact Sciences
Classification: Uncertain significance for CFAP410-related condition. Last evaluated: 2023-05-16. Review status: criteria provided, single submitter. Criteria: ACMG Guidelines, 2015. Collection method: clinical testing. Allele origin: germline.
Comment: The CFAP410 c.316C>T variant is predicted to result in the amino acid substitution p.Arg106Cys. To our knowledge, this variant has not been reported in the literature. This variant is reported in 0.010% of alleles in individuals of European (Non-Finnish) descent in gnomAD. At this time, the clinical significance of this variant is uncertain due to the absence of conclusive functional and genetic evidence.

Labcorp Genetics (formerly Invitae), Labcorp
Classification: Uncertain significance. Last evaluated: 2022-12-06. Review status: criteria provided, single submitter. Criteria: Invitae Variant Classification Sherloc (09022015). Collection method: clinical testing. Allele origin: germline.
Comment: In summary, the available evidence is currently insufficient to determine the role of this variant in disease. Therefore, it has been classified as a Variant of Uncertain Significance. Advanced modeling of protein sequence and biophysical properties (such as structural, functional, and spatial information, amino acid conservation, physicochemical variation, residue mobility, and thermodynamic stability) performed at Invitae indicates that this missense variant is not expected to disrupt CFAP410 protein function. ClinVar contains an entry for this variant (Variation ID: 954342). This variant has not been reported in the literature in individuals affected with CFAP410-related conditions. This variant is present in population databases (rs151236255, gnomAD 0.01%). This sequence change replaces arginine, which is basic and polar, with cysteine, which is neutral and slightly polar, at codon 106 of the CFAP410 protein (p.Arg106Cys).

NM_004928.3(CFAP410):c.316C>T (p.Arg106Cys)

Gene: CFAP410 (cilia and flagella associated protein 410; minus strand). Cytogenetic location: 21q22.3.
Variant type: single nucleotide variant.
Coding change: c.316C>T on transcript NM_004928.3 (MANE Select); coding-DNA position 316, C replaced by T.
Protein change: p.Arg106Cys; replaces arginine 106 with cysteine.
Molecular consequence: missense variant.
Genome position (GRCh38, 1-based): chr21:44,333,090, G>A on the plus strand (C>T on the coding strand, the complement: CFAP410 is on the minus strand). VCF-style: chr21-44333090-G-A. GRCh37 (hg19) VCF-style: chr21-45752973-G-A.
Other names: c.316C>T, p.Arg106Cys (NM_001271440.2, NM_001271441.2); c.193C>T, p.Arg65Cys (NM_001271442.1); short protein forms R106C, R65C.
Identifiers: ClinVar variation 954342 (VCV000954342.7), dbSNP rs151236255, ClinGen allele CA10053730.